The following is an entry in ClinVar:

ClinVar aggregate classification (germline): Uncertain significance (1 of 4 stars; one submission).

Submission:

Labcorp Genetics (formerly Invitae), Labcorp
Classification: Uncertain significance. Last evaluated: 2024-12-12. Review status: criteria provided, single submitter. Criteria: Invitae Variant Classification Sherloc (09022015). Collection method: clinical testing. Allele origin: germline.
Comment: This sequence change replaces alanine, which is neutral and non-polar, with aspartic acid, which is acidic and polar, at codon 1365 of the SAMD9L protein (p.Ala1365Asp). This variant is not present in population databases (gnomAD no frequency). This variant has not been reported in the literature in individuals affected with SAMD9L-related conditions. Invitae Evidence Modeling of protein sequence and biophysical properties (such as structural, functional, and spatial information, amino acid conservation, physicochemical variation, residue mobility, and thermodynamic stability) indicates that this missense variant is not expected to disrupt SAMD9L protein function with a negative predictive value of 80%. In summary, the available evidence is currently insufficient to determine the role of this variant in disease. Therefore, it has been classified as a Variant of Uncertain Significance.

NM_152703.5(SAMD9L):c.4094C>A (p.Ala1365Asp)

Gene: SAMD9L (sterile alpha motif domain containing 9 like; minus strand). Cytogenetic location: 7q21.2.
Variant type: single nucleotide variant.
Coding change: c.4094C>A on transcript NM_152703.5 (MANE Select); coding-DNA position 4094, C replaced by A.
Protein change: p.Ala1365Asp; replaces alanine 1365 with aspartic acid.
Molecular consequence: missense variant.
Genome position (GRCh38, 1-based): chr7:93,131,878, G>T on the plus strand (C>A on the coding strand, the complement: SAMD9L is on the minus strand). VCF-style: chr7-93131878-G-T. GRCh37 (hg19) VCF-style: chr7-92761191-G-T.
Other names: c.4094C>A, p.Ala1365Asp (NM_001350085.2, NM_001303496.3, NM_001303497.3 and 5 more transcripts); short protein forms A1365D.
Identifiers: ClinVar variation 3675687 (VCV003675687.2).